The following is an entry in ClinVar:

ClinVar aggregate classification (germline): Likely benign. Review status: criteria provided, multiple submitters, no conflicts (2 of 4 stars). 4 submissions from 4 submitters: Likely benign (3). 1 of the submissions does not count toward it. Last evaluated 2026-01-26.

Conditions:
MYO7A-related disorder. Also called: MYO7A-related disorders.
Usher syndrome type 1B (USH1B). Also called: Usher syndrome type IB. Identifiers: MedGen C1848638, MONDO:0700087.

Allele frequency attached by ClinVar (database versions not stated): TOPMed 0.00003; gnomAD 0.00004 and 0.00005; gnomAD exomes 0.00014; ExAC 0.00017.
gnomAD v4.1: 117 of 1,613,208 alleles (0.0073%); highest among the groups gnomAD compares: East Asian, 0.26%; no homozygotes.

Submissions (4):

Labcorp Genetics (formerly Invitae), Labcorp
Classification: Likely benign. Last evaluated: 2026-01-26. Review status: criteria provided, single submitter. Criteria: Invitae Variant Classification Sherloc (09022015). Collection method: clinical testing. Allele origin: germline.

PreventionGenetics, part of Exact Sciences
Classification: Likely benign for MYO7A-related condition. Last evaluated: 2025-01-11. Review status: criteria provided, single submitter. Criteria: ACMG Guidelines, 2015. Collection method: clinical testing. Allele origin: germline.
Comment: This variant is classified as likely benign based on ACMG/AMP sequence variant interpretation guidelines (Richards et al. 2015 PMID: 25741868, with internal and published modifications).

Blueprint Genetics
Classification: Likely benign. Last evaluated: 2021-12-28. Review status: criteria provided, single submitter. Criteria: ACMG Guidelines, 2015. Collection method: clinical testing. Allele origin: germline.

Natera, Inc.
Classification: Uncertain significance for Usher syndrome type 1B. Last evaluated: 2020-04-17. Review status: no assertion criteria provided. Collection method: clinical testing. Allele origin: germline. Not counted in ClinVar's aggregate classification.

NM_000260.4(MYO7A):c.5667G>A (p.Leu1889=)

Gene: MYO7A (myosin VIIA; plus strand). Cytogenetic location: 11q13.5.
Variant type: single nucleotide variant.
Coding change: c.5667G>A on transcript NM_000260.4 (MANE Select); coding-DNA position 5667, G replaced by A.
Protein change: p.Leu1889=; no amino-acid change (leucine 1889 retained).
Molecular consequence: synonymous variant.
Genome position (GRCh38, 1-based): chr11:77,206,127, G>A. VCF-style: chr11-77206127-G-A. GRCh37 (hg19) VCF-style: chr11-76917172-G-A.
Other names: c.5553G>A, p.Leu1851= (NM_001127180.2); c.5520G>A, p.Leu1840= (NM_001369365.1).
Identifiers: ClinVar variation 708404 (VCV000708404.14), dbSNP rs747516555, ClinGen allele CA6198790.
Genomic context (GRCh38, chr11:77,206,127, plus strand): 5'-TGCCCCCTGCTGCCCCTGCTGCCTTTTCAGAAACGGGTCCCGGAAGTACCCTCCGCACCT[G>A]GTGGAGGTGGAGGCCATCCAGCACAAGACCACCCAGATTTTCCACAAAGTCTACTTCCCT-3'
Protein context (NP_000251.3, residues 1879-1899): RNGSRKYPPH[Leu1889=]VEVEAIQHKT